The following is an entry in ClinVar:

NM_016474.5(CCDC174):c.472C>T (p.Pro158Ser)

Gene: CCDC174 (coiled-coil domain containing 174; plus strand). Cytogenetic location: 3p25.1.
Variant type: single nucleotide variant.
Coding change: c.472C>T on transcript NM_016474.5 (MANE Select); coding-DNA position 472, C replaced by T.
Protein change: p.Pro158Ser; replaces proline 158 with serine.
Molecular consequence: missense variant. On other transcripts: non-coding transcript variant (1).
Genome position (GRCh38, 1-based): chr3:14,661,694, C>T. VCF-style: chr3-14661694-C-T. GRCh37 (hg19) VCF-style: chr3-14703201-C-T.
Other names: short protein forms P158S.
Identifiers: ClinVar variation 1029605 (VCV001029605.2), dbSNP rs145180886, ClinGen allele CA2270056.

ClinVar aggregate classification (germline): Uncertain significance. Review status: criteria provided, multiple submitters, no conflicts (2 of 4 stars). 2 submissions from 2 submitters: Uncertain significance (2). Last evaluated 2020-05-21.

Conditions:
Severe hypotonia-psychomotor developmental delay-strabismus-cardiac septal defect syndrome. Also called: Hypotonia, infantile, with psychomotor retardation. Identifiers: Orphanet 467176, MedGen C4225196, MONDO:0014784, OMIM 616816.

Allele frequency attached by ClinVar (database versions not stated): 1000 Genomes Project 30x 0.00016; 1000 Genomes Project 0.00020; ExAC 0.00068; gnomAD exomes 0.00075; TOPMed 0.00095; ESP Exome Variant Server 0.00100; gnomAD 0.00103 and 0.00107.
gnomAD v4.1: 2,781 of 1,611,986 alleles (0.17%); highest among the groups gnomAD compares: Non-Finnish European, 0.22%; 8 homozygotes.

Submissions (2):

Baylor Genetics
Classification: Uncertain significance for Severe hypotonia-psychomotor developmental delay-strabismus-cardiac septal defect syndrome. Last evaluated: 2020-05-21. Review status: criteria provided, single submitter. Criteria: ACMG Guidelines, 2015. Collection method: clinical testing. Allele origin: unknown. Affected: yes.
Comment: This variant was determined to be of uncertain significance according to ACMG Guidelines, 2015 [PMID:25741868].

Breakthrough Genomics
Classification: Uncertain significance. Review status: criteria provided, single submitter. Criteria: ACMG Guidelines, 2015. Collection method: not provided. Allele origin: germline. Inheritance: Autosomal recessive inheritance. Affected: yes.